The following is an entry in ClinVar:

ClinVar aggregate classification (germline): Conflicting classifications of pathogenicity. Review status: criteria provided, conflicting classifications (1 of 4 stars). 7 submissions from 7 submitters: Uncertain significance (5); Benign (1). 1 of the submissions does not count toward it. Last evaluated 2026-01-22.

Conditions:
NLRP12-related disorder. Also called: NLRP12-related condition; NLRP12-related conditions.
Autoinflammatory syndrome. Identifiers: Orphanet 93665, MedGen C3890737, MONDO:0019751.
Inborn genetic diseases. Identifiers: MedGen C0950123, MeSH D030342.
Familial cold autoinflammatory syndrome 2 (FCAS2). Identifiers: Orphanet 247868, MedGen C2673198, MONDO:0012724, OMIM 611762.

Allele frequency attached by ClinVar (database versions not stated): gnomAD 0.00009; gnomAD exomes 0.00009 and 0.00013; TOPMed 0.00011; ExAC 0.00013; 1000 Genomes Project 30x 0.00016; 1000 Genomes Project 0.00020.
gnomAD v4.1: 154 of 1,613,984 alleles (0.0095%); highest among the groups gnomAD compares: Non-Finnish European, 0.012%; no homozygotes.

Submissions (7):

Labcorp Genetics (formerly Invitae), Labcorp
Classification: Uncertain significance for Familial cold autoinflammatory syndrome 2. Last evaluated: 2026-01-22. Review status: criteria provided, single submitter. Criteria: Invitae Variant Classification Sherloc (09022015). Collection method: clinical testing. Allele origin: germline.
Comment: This sequence change replaces arginine, which is basic and polar, with tryptophan, which is neutral and slightly polar, at codon 859 of the NLRP12 protein (p.Arg859Trp). This variant is present in population databases (rs573629753, gnomAD 0.03%), and has an allele count higher than expected for a pathogenic variant. This missense change has been observed in individual(s) with NLRP12-related conditions (PMID: 38123482). ClinVar contains an entry for this variant (Variation ID: 330017). Invitae Evidence Modeling of protein sequence and biophysical properties (such as structural, functional, and spatial information, amino acid conservation, physicochemical variation, residue mobility, and thermodynamic stability) indicates that this missense variant is not expected to disrupt NLRP12 protein function with a negative predictive value of 80%. In summary, the available evidence is currently insufficient to determine the role of this variant in disease. Therefore, it has been classified as a Variant of Uncertain Significance.

Ambry Genetics
Classification: Uncertain significance for Inborn genetic diseases. Last evaluated: 2021-07-06. Review status: criteria provided, single submitter. Criteria: Ambry Variant Classification Scheme 2023. Collection method: clinical testing. Allele origin: germline.

GeneDx
Classification: Uncertain significance. Last evaluated: 2021-06-23. Review status: criteria provided, single submitter. Criteria: GeneDx Variant Classification Process June 2021. Collection method: clinical testing. Allele origin: germline. Affected: yes.
Comment: In silico analysis supports that this missense variant has a deleterious effect on protein structure/function; Has not been previously published as pathogenic or benign to our knowledge; This variant is associated with the following publications: (PMID: 27535533)

New York Genome Center
Classification: Uncertain significance for Familial cold autoinflammatory syndrome 2. Last evaluated: 2021-03-26. Review status: criteria provided, single submitter. Criteria: NYGC Assertion Criteria 2020. Collection method: clinical testing. Allele origin: inherited. Observed: 1 heterozygote. Study: CSER-NYCKidSeq.

Genome Diagnostics Laboratory, The Hospital for Sick Children
Classification: Uncertain significance for Autoinflammatory syndrome. Last evaluated: 2019-03-01. Review status: criteria provided, single submitter. Criteria: ACMG Guidelines, 2015. Collection method: clinical testing. Allele origin: germline. Affected: yes.

Illumina Laboratory Services, Illumina
Classification: Benign for Familial cold autoinflammatory syndrome 2. Last evaluated: 2018-01-13. Review status: criteria provided, single submitter. Criteria: ICSL Variant Classification Criteria 13 December 2019. Collection method: clinical testing. Allele origin: germline.
Comment: This variant was observed in the ICSL laboratory as part of a predisposition screen in an ostensibly healthy population. It had not been previously curated by ICSL or reported in the Human Gene Mutation Database (HGMD: prior to June 1st, 2018), and was therefore a candidate for classification through an automated scoring system. Utilizing variant allele frequency, disease prevalence and penetrance estimates, and inheritance mode, an automated score was calculated to assess if this variant is too frequent to cause the disease. Based on the score and internal cut-off values, a variant classified as benign is not then subjected to further curation. The score for this variant resulted in a classification of benign for this disease.

PreventionGenetics, part of Exact Sciences
Classification: Uncertain significance for NLRP12-related condition. Last evaluated: 2024-03-06. Review status: no assertion criteria provided. Collection method: clinical testing. Allele origin: germline. Not counted in ClinVar's aggregate classification.
Comment: The NLRP12 c.2575C>T variant is predicted to result in the amino acid substitution p.Arg859Trp. To our knowledge, this variant has not been reported in the literature. This variant is reported in 0.026% of alleles in individuals of European (Non-Finnish) descent in gnomAD, which may be too common to be causative of disease. Although we suspect that this variant may be benign, at this time, the clinical significance of this variant is uncertain due to the absence of conclusive functional and genetic evidence.

Literature cited by the submitters: PubMed 38123482 (cited by Labcorp Genetics (formerly Invitae), Labcorp).

NM_144687.4(NLRP12):c.2575C>T (p.Arg859Trp)

Gene: NLRP12 (NLR family pyrin domain containing 12; minus strand). Cytogenetic location: 19q13.42.
Variant type: single nucleotide variant.
Coding change: c.2575C>T on transcript NM_144687.4 (MANE Select); coding-DNA position 2575, C replaced by T.
Protein change: p.Arg859Trp; replaces arginine 859 with tryptophan.
Molecular consequence: missense variant.
Genome position (GRCh38, 1-based): chr19:53,803,962, G>A on the plus strand (C>T on the coding strand, the complement: NLRP12 is on the minus strand). VCF-style: chr19-53803962-G-A. GRCh37 (hg19) VCF-style: chr19-54307216-G-A.
Other names: c.2578C>T, p.Arg860Trp (NM_001277126.2); c.2575C>T, p.Arg859Trp (NM_001277129.1); short protein forms R859W, R860W.
Identifiers: ClinVar variation 330017 (VCV000330017.22), dbSNP rs573629753, ClinGen allele CA9639038.